The following is an entry in ClinVar:

NM_001395413.1(POR):c.1813G>A (p.Val605Ile)

Gene: POR (cytochrome p450 oxidoreductase; plus strand). Cytogenetic location: 7q11.23.
Variant type: single nucleotide variant.
Coding change: c.1813G>A on transcript NM_001395413.1 (MANE Select); coding-DNA position 1813, G replaced by A.
Protein change: p.Val605Ile; replaces valine 605 with isoleucine.
Molecular consequence: missense variant.
Genome position (GRCh38, 1-based): chr7:75,986,165, G>A. VCF-style: chr7-75986165-G-A. GRCh37 (hg19) VCF-style: chr7-75615483-G-A.
Other names: c.1822G>A, p.Val608Ile (NM_000941.2, NM_000941.3); c.1813G>A, p.Val605Ile (NM_001367562.3, NM_001382657.2, NM_001382658.3 and 1 more transcripts); c.1867G>A, p.Val623Ile (NM_001382655.3); c.1663G>A, p.Val555Ile (NM_001382662.3); short protein forms V555I, V623I, V605I, V608I.
Identifiers: ClinVar variation 2071640 (VCV002071640.2), dbSNP rs72552772, ClinGen allele CA4304308.

ClinVar aggregate classification (germline): Uncertain significance. Review status: criteria provided, multiple submitters, no conflicts (2 of 4 stars). 2 submissions from 2 submitters: Uncertain significance (2). Last evaluated 2025-04-21.

Conditions:
Congenital adrenal hyperplasia due to cytochrome P450 oxidoreductase deficiency. Also called: DISORDERED STEROIDOGENESIS DUE TO POR DEFICIENCY. Identifiers: Orphanet 95699, MedGen C1860042, MONDO:0013310, OMIM 613571.

Allele frequency attached by ClinVar (database versions not stated): gnomAD 0.00003; gnomAD exomes 0.00004; TOPMed 0.00004; ExAC 0.00009.
gnomAD v4.1: 64 of 1,610,962 alleles (0.004%); highest among the groups gnomAD compares: South Asian, 0.036%; no homozygotes.

Submissions (2):

GeneDx
Classification: Uncertain significance. Last evaluated: 2025-04-21. Review status: criteria provided, single submitter. Criteria: GeneDx Variant Classification Process June 2021. Collection method: clinical testing. Allele origin: germline. Affected: yes.
Comment: In silico analysis indicates that this missense variant does not alter protein structure/function; Has not been previously published as pathogenic or benign to our knowledge

Labcorp Genetics (formerly Invitae), Labcorp
Classification: Uncertain significance for Congenital adrenal hyperplasia due to cytochrome P450 oxidoreductase deficiency. Last evaluated: 2022-05-25. Review status: criteria provided, single submitter. Criteria: Invitae Variant Classification Sherloc (09022015). Collection method: clinical testing. Allele origin: germline.
Comment: This sequence change replaces valine, which is neutral and non-polar, with isoleucine, which is neutral and non-polar, at codon 608 of the POR protein (p.Val608Ile). This variant is present in population databases (rs72552772, gnomAD 0.03%). This variant has not been reported in the literature in individuals affected with POR-related conditions. Algorithms developed to predict the effect of missense changes on protein structure and function are either unavailable or do not agree on the potential impact of this missense change (SIFT: "Deleterious"; PolyPhen-2: "Probably Damaging"; Align-GVGD: "Class C0"). In summary, the available evidence is currently insufficient to determine the role of this variant in disease. Therefore, it has been classified as a Variant of Uncertain Significance.